The following is an entry in ClinVar:

NM_001042492.3(NF1):c.4578-3del

Gene: NF1 (neurofibromin 1; plus strand). Cytogenetic location: 17q11.2.
Variant type: Deletion.
Coding change: c.4578-3del on transcript NM_001042492.3 (MANE Select); 3 bases into the intron before coding-DNA position 4578, one base deleted (T; older notation c.4578-3delT).
Molecular consequence: intron variant.
Genome position (GRCh38, 1-based): chr17:31,261,708, T deleted. VCF-style (leftmost placement, unchanged base first): chr17-31261707-CT-C. GRCh37 (hg19) VCF-style: chr17-29588725-CT-C.
Other names: c.4515-3del (NM_000267.4); c.4515-3delT (NM_000267.3).
Identifiers: ClinVar variation 816767 (VCV000816767.5), dbSNP rs1597748663, ClinGen allele CA915949658.
Genomic context (GRCh38, chr17:31,261,707, plus strand): 5'-AAAGAAATGTGTAGTGCTAAATGTGAACTGCTAATTTTTTTTCTAAGTAGTTTGCTGTAT[CT>C]AGGGATCATAAAGCTGTTGGAAGACGACCTTTTGATAAGATGGCAACACTTCTTGCATAC-3'

ClinVar aggregate classification (germline): Conflicting classifications of pathogenicity. Review status: criteria provided, conflicting classifications (1 of 4 stars). 2 submissions from 2 submitters: Pathogenic (1); Uncertain significance (1). Last evaluated 2022-11-25.

Conditions:
Neurofibromatosis, type 1 (NF1). Also called: Peripheral type neurofibromatosis; Neurofibromatosis, type I; NEUROFIBROMATOSIS, TYPE I, SOMATIC; VON RECKLINGHAUSEN DISEASE. Identifiers: Orphanet 636, MedGen C0027831, MONDO:0018975, OMIM 162200. Disease mechanism: loss of function.

Submissions (2):

Labcorp Genetics (formerly Invitae), Labcorp
Classification: Uncertain significance for Neurofibromatosis, type 1. Last evaluated: 2022-11-25. Review status: criteria provided, single submitter. Criteria: Invitae Variant Classification Sherloc (09022015). Collection method: clinical testing. Allele origin: germline.
Comment: This sequence change falls in intron 33 of the NF1 gene. It does not directly change the encoded amino acid sequence of the NF1 protein. RNA analysis indicates that this variant induces altered splicing and may result in an absent or disrupted protein product. This variant is not present in population databases (gnomAD no frequency). This variant has been observed in individual(s) with clinical features of NF1-related conditions (PMID: 32126153). ClinVar contains an entry for this variant (Variation ID: 816767). Variants that disrupt the consensus splice site are a relatively common cause of aberrant splicing (PMID: 17576681, 9536098). Studies have shown that this variant results in activation of a cryptic splice site and introduces a premature termination codon (PMID: 32126153). The resulting mRNA is expected to undergo nonsense-mediated decay. In summary, the available evidence is currently insufficient to determine the role of this variant in disease. Therefore, it has been classified as a Variant of Uncertain Significance.

UAB Medical Genomics Laboratory, UAB Medicine
Classification: Pathogenic for Neurofibromatosis, type 1. Last evaluated: 2020-01-20. Review status: criteria provided, single submitter. Criteria: ACMG Guidelines, 2015. Collection method: clinical testing. Allele origin: germline. Affected: yes.

Literature cited by the submitters: PubMed 32126153 (cited by Labcorp Genetics (formerly Invitae), Labcorp and UAB Medical Genomics Laboratory, UAB Medicine); PubMed 17576681 (cited by Labcorp Genetics (formerly Invitae), Labcorp); PubMed 9536098 (cited by Labcorp Genetics (formerly Invitae), Labcorp).